The following is an entry in ClinVar:

ClinVar aggregate classification (germline): Pathogenic (3 of 4 stars; one submission).

Conditions:
Phenylketonuria (PKU). Also called: OLIGOPHRENIA PHENYLPYRUVICA; Phenylketonurias; FOLLING DISEASE; Phenylketonuria (PKU). Identifiers: Orphanet 716, MedGen C0031485, MONDO:0009861, OMIM 261600. Disease mechanism: loss of function.

Submission:

ClinGen PAH Variant Curation Expert Panel
Classification: Pathogenic for Phenylketonuria. Last evaluated: 2018-12-10. Review status: reviewed by expert panel. Criteria: ClinGen PAH ACMG Specifications v1. Collection method: curation. Allele origin: germline. Inheritance: Autosomal recessive inheritance.
Comment: The c.788T>C (p.Phe263Ser) variant in PAH has been reported in 1 patient with hyperphenylalaninemia (BH4 deficiency not excluded) and was detected with known pathogenic variant c.1066-11G>A (PP4, PM3; PMID: 23357515). This variant is absent in population databases (PM2). This variant has 4% enzyme activity (PS3; PMID:20179079). Computational prediction tools and conservation analysis suggest that this variant may impact the protein (PP3). In summary, this variant meets criteria to be classified as pathogenic for PAH. PAH-specific ACMG/AMP criteria applied: PS3, PM2, PM3, PP3, PP4.

Literature cited by the submitters: PubMed 23357515; PubMed 20179079.

NM_000277.3(PAH):c.788T>C (p.Phe263Ser)

Gene: PAH (phenylalanine hydroxylase; minus strand). Cytogenetic location: 12q23.2.
Variant type: single nucleotide variant.
Coding change: c.788T>C on transcript NM_000277.3 (MANE Select); coding-DNA position 788, T replaced by C.
Protein change: p.Phe263Ser; replaces phenylalanine 263 with serine.
Molecular consequence: missense variant.
Genome position (GRCh38, 1-based): chr12:102,852,869, A>G on the plus strand (T>C on the coding strand, the complement: PAH is on the minus strand). VCF-style: chr12-102852869-A-G. GRCh37 (hg19) VCF-style: chr12-103246647-A-G.
Other names: c.788T>C, p.Phe263Ser (NM_001354304.2); short protein forms F263S.
Identifiers: ClinVar variation 619150 (VCV000619150.2), dbSNP rs1565846863, ClinGen allele CA16020857.
Genomic context (GRCh38, chr12:102,852,869, plus strand): 5'-ACTCACGGTTCGGGGGTATACATGGGCTTGGATCCATGTCTGATGTACTGTGTGCAGTGG[A>G]AGACTCGGAAGGCCAGGCCACCCAAGAAATCCCGAGAGGAAAGCAGGCCAGCCACAGGTC-3'
Protein context (NP_000268.1, residues 253-273): DFLGGLAFRV[Phe263Ser]HCTQYIRHGS